The following is an entry in ClinVar:

NM_005566.4(LDHA):c.269A>G (p.Lys90Arg)

Gene: LDHA (lactate dehydrogenase A; plus strand). Cytogenetic location: 11p15.1.
Variant type: single nucleotide variant.
Coding change: c.269A>G on transcript NM_005566.4 (MANE Select); coding-DNA position 269, A replaced by G.
Protein change: p.Lys90Arg; replaces lysine 90 with arginine.
Molecular consequence: missense variant. On other transcripts: non-coding transcript variant (1), intron variant (1).
Genome position (GRCh38, 1-based): chr11:18,400,861, A>G. VCF-style: chr11-18400861-A-G. GRCh37 (hg19) VCF-style: chr11-18422408-A-G.
Other names: p.Lys90Arg; c.356A>G, p.Lys119Arg (NM_001165414.2); c.269A>G, p.Lys90Arg (NM_001165415.2, NM_001165416.2); c.269A>G (NM_005566.3); c.244+1313A>G (NM_001135239.2); short protein forms K90R, K119R.
Identifiers: ClinVar variation 2147165 (VCV002147165.5), dbSNP rs200332813, ClinGen allele CA5911257.

ClinVar aggregate classification (germline): Conflicting classifications of pathogenicity. Review status: criteria provided, conflicting classifications (1 of 4 stars). 5 submissions from 5 submitters: Uncertain significance (4); Likely benign (1). Last evaluated 2024-11-04.

Conditions:
Glycogen storage disease due to lactate dehydrogenase M-subunit deficiency (GSD11). Also called: Glycogen storage disease XI; GSD XI; LACTATE DEHYDROGENASE A DEFICIENCY. Identifiers: Orphanet 284426, MedGen C2931743, MONDO:0013047, OMIM 612933.
Inborn genetic diseases. Identifiers: MedGen C0950123, MeSH D030342.

Allele frequency attached by ClinVar (database versions not stated): ExAC 0.00001; gnomAD 0.00005; TOPMed 0.00007; gnomAD exomes 0.00008.
gnomAD v4.1: 120 of 1,613,510 alleles (0.0074%); highest among the groups gnomAD compares: Non-Finnish European, 0.0093%; no homozygotes.

Submissions (5):

Blueprint Genetics
Classification: Likely benign. Last evaluated: 2024-11-04. Review status: criteria provided, single submitter. Criteria: ACMG Guidelines, 2015. Collection method: clinical testing. Allele origin: germline.

Fulgent Genetics
Classification: Uncertain significance for Glycogen storage disease due to lactate dehydrogenase M-subunit deficiency. Last evaluated: 2024-05-28. Review status: criteria provided, single submitter. Criteria: ACMG Guidelines, 2015. Collection method: clinical testing. Allele origin: germline.

Ambry Genetics
Classification: Uncertain significance for Inborn genetic diseases. Last evaluated: 2023-12-21. Review status: criteria provided, single submitter. Criteria: Ambry Variant Classification Scheme 2023. Collection method: clinical testing. Allele origin: germline.

Mayo Clinic Laboratories, Mayo Clinic
Classification: Uncertain significance. Last evaluated: 2023-03-10. Review status: criteria provided, single submitter. Criteria: ACMG Guidelines, 2015. Collection method: clinical testing. Allele origin: germline. Observed: 1 variant allele.

Labcorp Genetics (formerly Invitae), Labcorp
Classification: Uncertain significance for Glycogen storage disease due to lactate dehydrogenase M-subunit deficiency. Last evaluated: 2022-07-29. Review status: criteria provided, single submitter. Criteria: Invitae Variant Classification Sherloc (09022015). Collection method: clinical testing. Allele origin: germline.
Comment: This sequence change replaces lysine, which is basic and polar, with arginine, which is basic and polar, at codon 90 of the LDHA protein (p.Lys90Arg). This variant is present in population databases (rs200332813, gnomAD 0.01%). This variant has not been reported in the literature in individuals affected with LDHA-related conditions. Algorithms developed to predict the effect of missense changes on protein structure and function output the following: SIFT: "Tolerated"; PolyPhen-2: "Benign"; Align-GVGD: "Class C0". The arginine amino acid residue is found in multiple mammalian species, which suggests that this missense change does not adversely affect protein function. In summary, the available evidence is currently insufficient to determine the role of this variant in disease. Therefore, it has been classified as a Variant of Uncertain Significance.